The following is an entry in ClinVar:

NM_002303.6(LEPR):c.1018A>G (p.Ile340Val)

Gene: LEPR (leptin receptor; plus strand). Cytogenetic location: 1p31.3.
Variant type: single nucleotide variant.
Coding change: c.1018A>G on transcript NM_002303.6 (MANE Select); coding-DNA position 1018, A replaced by G.
Protein change: p.Ile340Val; replaces isoleucine 340 with valine.
Molecular consequence: missense variant.
Genome position (GRCh38, 1-based): chr1:65,601,415, A>G. VCF-style: chr1-65601415-A-G. GRCh37 (hg19) VCF-style: chr1-66067098-A-G.
Other names: c.1018A>G, p.Ile340Val (NM_001003679.3, NM_001003680.3, NM_001198687.2 and 2 more transcripts); short protein forms I340V.
Identifiers: ClinVar variation 874014 (VCV000874014.11), dbSNP rs753573139, ClinGen allele CA894710.

ClinVar aggregate classification (germline): Conflicting classifications of pathogenicity. Review status: criteria provided, conflicting classifications (1 of 4 stars). 4 submissions from 4 submitters: Uncertain significance (3); Likely benign (1). Last evaluated 2025-11-09.

Conditions:
Obesity due to leptin receptor gene deficiency. Identifiers: Orphanet 179494, MedGen C3554225, MONDO:0013992, OMIM 614963.
LEPR-related disorder. Also called: LEPR-related condition; LEPR-related disorders.

Allele frequency attached by ClinVar (database versions not stated): ExAC 0.00001; gnomAD 0.00002; gnomAD exomes 0.00003 and 0.00006; TOPMed 0.00003.

Submissions (4):

PreventionGenetics, part of Exact Sciences
Classification: Uncertain significance for LEPR-related condition. Last evaluated: 2025-11-09. Review status: criteria provided, single submitter. Criteria: ACMG Guidelines, 2015. Collection method: clinical testing. Allele origin: germline.
Comment: The LEPR c.1018A>G variant is predicted to result in the amino acid substitution p.Ile340Val. This variant was observed in a cohort of individuals with obesity, and in vitro functional studies showed function similar to wild-type levels (Supplemental Data Set, Shah et al. 2023. PubMed ID: 36864747). This variant is reported in 0.040% of alleles in individuals of Latino descent in gnomAD. At this time, the clinical significance of this variant is uncertain due to the absence of conclusive functional and genetic evidence.

Labcorp Genetics (formerly Invitae), Labcorp
Classification: Likely benign. Last evaluated: 2025-05-01. Review status: criteria provided, single submitter. Criteria: Invitae Variant Classification Sherloc (09022015). Collection method: clinical testing. Allele origin: germline.

GeneDx
Classification: Uncertain significance. Last evaluated: 2025-01-09. Review status: criteria provided, single submitter. Criteria: GeneDx Variant Classification Process June 2021. Collection method: clinical testing. Allele origin: germline. Affected: yes.
Comment: In silico analysis indicates that this missense variant does not alter protein structure/function; Has not been previously published as pathogenic or benign to our knowledge

Illumina Laboratory Services, Illumina
Classification: Uncertain significance for Obesity due to leptin receptor gene deficiency. Last evaluated: 2017-04-27. Review status: criteria provided, single submitter. Criteria: ICSL Variant Classification Criteria 13 December 2019. Collection method: clinical testing. Allele origin: germline.